The following is an entry in ClinVar:

ClinVar aggregate classification (germline): Uncertain significance (1 of 4 stars; one submission).

Conditions:
Biotin-responsive basal ganglia disease (BTBGD). Also called: thiamine-responsive encephalopathy; THIAMINE METABOLISM DYSFUNCTION SYNDROME 2 (BIOTIN- AND THIAMINE-RESPONSIVE TYPE); Thiamine Transporter-2 Deficiency; Thiamine metabolism dysfunction syndrome 2 (biotin- or thiamine-responsive encephalopathy type 2); Thiamine metabolism dysfunction syndrome type 2. Identifiers: Orphanet 199348, Orphanet 65284, MedGen C1843807, MONDO:0011841, OMIM 607483.

Allele frequency attached by ClinVar (database versions not stated): gnomAD exomes 0.00001 and 0.00002; ExAC 0.00002; TOPMed 0.00003.
gnomAD v4.1: 13 of 1,613,916 alleles (0.00081%); highest among the groups gnomAD compares: South Asian, 0.0033%; no homozygotes.

Submission:

Labcorp Genetics (formerly Invitae), Labcorp
Classification: Uncertain significance for Biotin-responsive basal ganglia disease. Last evaluated: 2022-03-14. Review status: criteria provided, single submitter. Criteria: Invitae Variant Classification Sherloc (09022015). Collection method: clinical testing. Allele origin: germline.
Comment: This sequence change replaces arginine, which is basic and polar, with histidine, which is basic and polar, at codon 402 of the SLC19A3 protein (p.Arg402His). This variant is present in population databases (rs779378165, gnomAD 0.01%). This variant has not been reported in the literature in individuals affected with SLC19A3-related conditions. ClinVar contains an entry for this variant (Variation ID: 859704). Advanced modeling of protein sequence and biophysical properties (such as structural, functional, and spatial information, amino acid conservation, physicochemical variation, residue mobility, and thermodynamic stability) performed at Invitae indicates that this missense variant is expected to disrupt SLC19A3 protein function. In summary, the available evidence is currently insufficient to determine the role of this variant in disease. Therefore, it has been classified as a Variant of Uncertain Significance.

NM_025243.4(SLC19A3):c.1205G>A (p.Arg402His)

Gene: SLC19A3 (solute carrier family 19 member 3; minus strand). Cytogenetic location: 2q36.3.
Variant type: single nucleotide variant.
Coding change: c.1205G>A on transcript NM_025243.4 (MANE Select); coding-DNA position 1205, G replaced by A.
Protein change: p.Arg402His; replaces arginine 402 with histidine.
Molecular consequence: missense variant.
Genome position (GRCh38, 1-based): chr2:227,688,275, C>T on the plus strand (G>A on the coding strand, the complement: SLC19A3 is on the minus strand). VCF-style: chr2-227688275-C-T. GRCh37 (hg19) VCF-style: chr2-228552991-C-T.
Other names: c.1205G>A, p.Arg402His (NM_001371411.1, NM_001371412.1); c.1193G>A, p.Arg398His (NM_001371413.1, NM_001371414.1); short protein forms R398H, R402H.
Identifiers: ClinVar variation 859704 (VCV000859704.7), dbSNP rs779378165, ClinGen allele CA2149126.